The following is an entry in ClinVar:

ClinVar aggregate classification (germline): Likely pathogenic (1 of 4 stars; one submission).

Conditions:
Usher syndrome type 2A. Also called: RETINAL DISEASE IN USHER SYNDROME TYPE IIA, MODIFIER OF; USHER SYNDROME, TYPE IIA. Identifiers: Orphanet 231178, Orphanet 886, MedGen C1848634, MONDO:0010169, OMIM 276901.

Submission:

Natera, Inc.
Classification: Likely pathogenic for Usher syndrome type 2A. Last evaluated: 2025-11-10. Review status: criteria provided, single submitter. Criteria: Natera Variant Classification Schema (03/2026). Collection method: clinical testing. Allele origin: germline.
Comment: The c.1053del variant in USH2A is a frameshift variant predicted to shift the reading frame beginning at codon 352 and leads to a stop codon 18 codons downstream. This variant is expected to result in nonsense mediated decay, truncation, or a dysfunctional protein product. This variant is rare in the general population with a frequency below the threshold expected for the associated phenotype(s). Given the available evidence, this variant is classified as Likely Pathogenic.

NM_206933.4(USH2A):c.1053del (p.Thr352fs)

Gene: USH2A (usherin; minus strand). Cytogenetic location: 1q41.
Variant type: Deletion.
Coding change: c.1053del on transcript NM_206933.4 (MANE Select); coding-DNA position 1053, one base deleted (T; older notation c.1053delT).
Protein change: p.Thr352fs; shifts the reading frame from threonine 352.
Molecular consequence: frameshift variant.
Genome position (GRCh38, 1-based): chr1:216,325,395, A deleted on the plus strand (T on the coding strand, the reverse complement: USH2A is on the minus strand). VCF-style (leftmost placement, unchanged base first): chr1-216325394-TA-T. GRCh37 (hg19) VCF-style: chr1-216498736-TA-T.
Other names: c.1053del, p.Thr352fs (NM_007123.6); short protein forms T352fs.
Identifiers: ClinVar variation 4817070 (VCV004817070.1).